The following is an entry in ClinVar:

ClinVar aggregate classification (germline): Likely pathogenic. Review status: criteria provided, single submitter (1 of 4 stars). 2 submissions from 2 submitters: Likely pathogenic (1). 1 of the submissions does not count toward it. Last evaluated 2023-10-28.

Conditions:
Fanconi anemia (FA). Also called: Fanconi's anemia. Identifiers: Orphanet 84, MedGen C0015625, MeSH D005199, MONDO:0019391.
Fanconi anemia complementation group A (FANCA). Also called: Fanconi anemia, group A; FANCA-Related Fanconi Anemia. Identifiers: Orphanet 84, MedGen C3469521, MONDO:0009215, OMIM 227650.

Allele frequency attached by ClinVar (database versions not stated): gnomAD exomes below 0.00001; TOPMed below 0.00001; gnomAD 0.00001.
gnomAD v4.1: 2 of 1,588,832 alleles (0.00013%); highest among the groups gnomAD compares: Non-Finnish European, 0.00017%; no homozygotes.

Submissions (2):

Labcorp Genetics (formerly Invitae), Labcorp
Classification: Likely pathogenic for Fanconi anemia. Last evaluated: 2023-10-28. Review status: criteria provided, single submitter. Criteria: Invitae Variant Classification Sherloc (09022015). Collection method: clinical testing. Allele origin: germline.
Comment: This sequence change affects a donor splice site in intron 5 of the FANCA gene. It is expected to disrupt RNA splicing. Variants that disrupt the donor or acceptor splice site typically lead to a loss of protein function (PMID: 16199547), and loss-of-function variants in FANCA are known to be pathogenic (PMID: 19367192). This variant is present in population databases (no rsID available, gnomAD 0.0009%). Disruption of this splice site has been observed in individual(s) with Fanconi Anemia (PMID: 29098742). ClinVar contains an entry for this variant (Variation ID: 557826). Algorithms developed to predict the effect of sequence changes on RNA splicing suggest that this variant may disrupt the consensus splice site. In summary, the currently available evidence indicates that the variant is pathogenic, but additional data are needed to prove that conclusively. Therefore, this variant has been classified as Likely Pathogenic.

Counsyl
Classification: Likely pathogenic for Fanconi anemia complementation group A. Last evaluated: 2018-05-25. Review status: no assertion criteria provided. Collection method: clinical testing. Allele origin: unknown. Not counted in ClinVar's aggregate classification.

Literature cited by the submitters: PubMed 16199547 (cited by Labcorp Genetics (formerly Invitae), Labcorp); PubMed 19367192 (cited by Labcorp Genetics (formerly Invitae), Labcorp); PubMed 29098742 (cited by Labcorp Genetics (formerly Invitae), Labcorp and Counsyl).

NM_000135.4(FANCA):c.522+1G>T

Gene: FANCA (FA complementation group A; minus strand). Cytogenetic location: 16q24.3.
Variant type: single nucleotide variant.
Coding change: c.522+1G>T on transcript NM_000135.4 (MANE Select); the canonical splice donor site of the intron after coding-DNA position 522, G replaced by T.
Molecular consequence: splice donor variant. On other transcripts: intron variant (1).
Genome position (GRCh38, 1-based): chr16:89,810,706, C>A on the plus strand (G>T on the coding strand, the complement: FANCA is on the minus strand). VCF-style: chr16-89810706-C-A. GRCh37 (hg19) VCF-style: chr16-89877114-C-A.
Other names: c.522+1G>T (NM_001286167.3, NM_001018112.3); c.426+223G>T (NM_001351830.2).
Identifiers: ClinVar variation 557826 (VCV000557826.5), dbSNP rs1365019056, ClinGen allele CA397480630.